The following is an entry in ClinVar:

ClinVar aggregate classification (germline): Pathogenic (1 of 4 stars; one submission).

Conditions:
Multiple congenital exostosis (EXT). Also called: MULTIPLE CARTILAGINOUS EXOSTOSES; Hereditary multiple osteochondromas; Hereditary multiple exostoses; Hereditary multiple exostosis; Multiple exostoses; Multiple osteochondromas. Identifiers: Orphanet 321, MedGen C0015306, MONDO:0005508, HP:0002762.

Submission:

Labcorp Genetics (formerly Invitae), Labcorp
Classification: Pathogenic for Multiple congenital exostosis. Last evaluated: 2023-07-12. Review status: criteria provided, single submitter. Criteria: Invitae Variant Classification Sherloc (09022015). Collection method: clinical testing. Allele origin: germline.
Comment: For these reasons, this variant has been classified as Pathogenic. This variant has not been reported in the literature in individuals affected with EXT1-related conditions. This variant is not present in population databases (gnomAD no frequency). This sequence change creates a premature translational stop signal (p.Ile556Asnfs*10) in the EXT1 gene. It is expected to result in an absent or disrupted protein product. Loss-of-function variants in EXT1 are known to be pathogenic (PMID: 10679937, 11391482, 19810120).

Literature cited by the submitters: PubMed 10679937; PubMed 11391482; PubMed 19810120.

NM_000127.3(EXT1):c.1666dup (p.Ile556fs)

Gene: EXT1 (exostosin glycosyltransferase 1; minus strand). Cytogenetic location: 8q24.11.
Variant type: Duplication.
Coding change: c.1666dup on transcript NM_000127.3 (MANE Select); coding-DNA position 1666, one base duplicated (A; older notation c.1666dupA).
Protein change: p.Ile556fs; shifts the reading frame from isoleucine 556.
Molecular consequence: frameshift variant.
Genome position (GRCh38, 1-based): chr8:117,812,928, T duplicated on the plus strand (A on the coding strand, the reverse complement: EXT1 is on the minus strand). VCF-style (leftmost placement, unchanged base first): chr8-117812927-A-AT. GRCh37 (hg19) VCF-style: chr8-118825166-A-AT.
Other names: short protein forms I556fs.
Identifiers: ClinVar variation 2832804 (VCV002832804.3), dbSNP rs2488096689, ClinGen allele CA2739268959.